The following is an entry in ClinVar:

NM_145239.3(PRRT2):c.471A>G (p.Gln157=)

Genes: MVP-DT (MVP divergent transcript; minus strand), PRRT2 (proline rich transmembrane protein 2; plus strand). Cytogenetic location: 16p11.2.
Variant type: single nucleotide variant.
Coding change: c.471A>G on transcript NM_145239.3 (MANE Select); coding-DNA position 471, A replaced by G.
Protein change: p.Gln157=; no amino-acid change (glutamine 157 retained).
Molecular consequence: synonymous variant.
Genome position (GRCh38, 1-based): chr16:29,813,525, A>G. VCF-style: chr16-29813525-A-G. GRCh37 (hg19) VCF-style: chr16-29824846-A-G.
Other names: c.471A>G, p.Gln157= (NM_001256442.2, NM_001256443.2).
Identifiers: ClinVar variation 511085 (VCV000511085.3), dbSNP rs763214510, ClinGen allele CA494883794.
Genomic context (GRCh38, chr16:29,813,525, plus strand): 5'-GCCTGCTCCCCAACCAGACCCCCGGCCAGATTCCCAGCCTACCCCCAAGCCAGCCCTTCA[A>G]CCAGAGCTCCCTACCCAGGAGGACCCCACCCCTGAGATTCTGTCTGAGAGTGTAGGGGAA-3'
Protein context (NP_660282.2, residues 147-167): DSQPTPKPAL[Gln157=]PELPTQEDPT

ClinVar aggregate classification (germline): Likely benign. Review status: criteria provided, multiple submitters, no conflicts (2 of 4 stars). 2 submissions from 2 submitters: Likely benign (2). Last evaluated 2024-02-24.

Conditions:
Episodic kinesigenic dyskinesia (EKD). Also called: Paroxysmal kinesigenic dyskinesia. Identifiers: Orphanet 98809, MedGen C1868682, MONDO:0044202.

Submissions (2):

Labcorp Genetics (formerly Invitae), Labcorp
Classification: Likely benign for Episodic kinesigenic dyskinesia. Last evaluated: 2024-02-24. Review status: criteria provided, single submitter. Criteria: Invitae Variant Classification Sherloc (09022015). Collection method: clinical testing. Allele origin: germline.

GeneDx
Classification: Likely benign. Last evaluated: 2017-07-28. Review status: criteria provided, single submitter. Criteria: GeneDx Variant Classification (06012015). Collection method: clinical testing. Allele origin: germline. Affected: yes.
Comment: This variant is considered likely benign or benign based on one or more of the following criteria: it is a conservative change, it occurs at a poorly conserved position in the protein, it is predicted to be benign by multiple in silico algorithms, and/or has population frequency not consistent with disease.